The following is an entry in ClinVar:

ClinVar aggregate classification (germline): Uncertain significance (1 of 4 stars; one submission).

Conditions:
Inborn genetic diseases. Identifiers: MedGen C0950123, MeSH D030342.

Submission:

Ambry Genetics
Classification: Uncertain significance for Inborn genetic diseases. Last evaluated: 2025-11-01. Review status: criteria provided, single submitter. Criteria: Ambry Variant Classification Scheme 2023. Collection method: clinical testing. Allele origin: germline.
Comment: The p.N1851K variant (also known as c.5553T>G), located in coding exon 21 of the FANCM gene, results from a T to G substitution at nucleotide position 5553. The asparagine at codon 1851 is replaced by lysine, an amino acid with similar properties. This amino acid position is conserved. In addition, this alteration is predicted to be tolerated by in silico analysis. Based on the available evidence, the clinical significance of this variant remains unclear.

NM_020937.4(FANCM):c.5553T>G (p.Asn1851Lys)

Gene: FANCM (FA complementation group M; plus strand). Cytogenetic location: 14q21.2.
Variant type: single nucleotide variant.
Coding change: c.5553T>G on transcript NM_020937.4 (MANE Select); coding-DNA position 5553, T replaced by G.
Protein change: p.Asn1851Lys; replaces asparagine 1851 with lysine.
Molecular consequence: missense variant.
Genome position (GRCh38, 1-based): chr14:45,196,384, T>G. VCF-style: chr14-45196384-T-G. GRCh37 (hg19) VCF-style: chr14-45665587-T-G.
Other names: c.5475T>G, p.Asn1825Lys (NM_001308133.2); short protein forms N1825K, N1851K.
Identifiers: ClinVar variation 4619546 (VCV004619546.1).